The following is an entry in ClinVar:

ClinVar aggregate classification (germline): Uncertain significance. Review status: criteria provided, multiple submitters, no conflicts (2 of 4 stars). 3 submissions from 3 submitters: Uncertain significance (3). Last evaluated 2024-11-13.

Conditions:
Developmental and epileptic encephalopathy, 14 (DEE14). Also called: Early infantile epileptic encephalopathy 14. Identifiers: Orphanet 293181, MedGen C3554195, MONDO:0013989, OMIM 614959.

gnomAD v4.1: 3 of 1,612,144 alleles (0.00019%); highest among the groups gnomAD compares: South Asian, 0.0033%; no homozygotes.

Submissions (3):

GeneDx
Classification: Uncertain significance. Last evaluated: 2024-11-13. Review status: criteria provided, single submitter. Criteria: GeneDx Variant Classification Process June 2021. Collection method: clinical testing. Allele origin: germline. Affected: yes.
Comment: In silico analysis supports that this missense variant has a deleterious effect on protein structure/function; Has not been previously published as pathogenic or benign to our knowledge

Neuberg Centre For Genomic Medicine, NCGM
Classification: Uncertain significance for Developmental and epileptic encephalopathy, 14. Last evaluated: 2024-02-01. Review status: criteria provided, single submitter. Criteria: ACMG Guidelines, 2015. Collection method: clinical testing. Allele origin: germline. Inheritance: Autosomal dominant inheritance. Affected: yes.
Comment: The observed missense c.1411A>G (p.Thr471Ala) variant in KCNT1 gene has not been previously reported as a pathogenic nor as a benign variant, to our knowledge. This variant is present with allele frequency of 0.0004% in the gnomAD Exomes. It has not been submitted to the ClinVar database. Multiple lines of computational evidence (Polyphen - Benign, SIFT - Damaging, MutationTaster - Disease causing) predict conflicting evidence on protein structure and function for this variant. The amino acid change p.Thr471Ala in KCNT1 is predicted as conserved by GERP++ and PhyloP across 100 vertebrates. The amino acid Thr at position 471 is changed to a Ala changing protein sequence and it might alter its composition and physico-chemical properties. For these reasons, this variant has been classified as Variant of Uncertain Significance (VUS).

Blueprint Genetics
Classification: Uncertain significance. Last evaluated: 2021-02-24. Review status: criteria provided, single submitter. Criteria: ACMG Guidelines, 2015. Collection method: clinical testing. Allele origin: germline.

NM_020822.3(KCNT1):c.1411A>G (p.Thr471Ala)

Gene: KCNT1 (potassium sodium-activated channel subfamily T member 1; plus strand). Cytogenetic location: 9q34.3.
Variant type: single nucleotide variant.
Coding change: c.1411A>G on transcript NM_020822.3 (MANE Select); coding-DNA position 1411, A replaced by G.
Protein change: p.Thr471Ala; replaces threonine 471 with alanine.
Molecular consequence: missense variant.
Genome position (GRCh38, 1-based): chr9:135,768,838, A>G. VCF-style: chr9-135768838-A-G. GRCh37 (hg19) VCF-style: chr9-138660684-A-G.
Other names: c.1276A>G, p.Thr426Ala (NM_001272003.2); c.1411A>G (NM_020822.2); short protein forms T426A, T471A.
Identifiers: ClinVar variation 3895492 (VCV003895492.3).